The following is an entry in ClinVar:

ClinVar aggregate classification (germline): Uncertain significance (1 of 4 stars; one submission).

Conditions:
Myofibrillar myopathy 5. Also called: FILAMINOPATHY, AUTOSOMAL DOMINANT; Filaminopathy (type). Identifiers: Orphanet 171445, MedGen C1836050, MONDO:0012289, OMIM 609524.
Distal myopathy with posterior leg and anterior hand involvement. Also called: WILLIAMS DISTAL MYOPATHY. Identifiers: Orphanet 63273, MedGen C3279722, MONDO:0013550, OMIM 614065.
Hypertrophic cardiomyopathy 26. Also called: Cardiomyopathy, familial hypertrophic, 26. Identifiers: Orphanet 75249, MedGen C4310749, MONDO:0014883, OMIM 617047.

Allele frequency attached by ClinVar (database versions not stated): ExAC 0.00002; ESP Exome Variant Server 0.00008.
gnomAD v4.1: 3 of 1,613,980 alleles (0.00019%); highest among the groups gnomAD compares: African/African-American, 0.0013%; no homozygotes.

Submission:

Labcorp Genetics (formerly Invitae), Labcorp
Classification: Uncertain significance for Distal myopathy with posterior leg and anterior hand involvement; Myofibrillar myopathy 5; Hypertrophic cardiomyopathy 26. Last evaluated: 2022-07-06. Review status: criteria provided, single submitter. Criteria: Invitae Variant Classification Sherloc (09022015). Collection method: clinical testing. Allele origin: germline.
Comment: Variants that disrupt the consensus splice site are a relatively common cause of aberrant splicing (PMID: 17576681, 9536098). Algorithms developed to predict the effect of sequence changes on RNA splicing suggest that this variant is not likely to affect RNA splicing. ClinVar contains an entry for this variant (Variation ID: 1428644). This variant has not been reported in the literature in individuals affected with FLNC-related conditions. This variant is present in population databases (rs368602593, gnomAD 0.007%). This sequence change falls in intron 4 of the FLNC gene. It does not directly change the encoded amino acid sequence of the FLNC protein. It affects a nucleotide within the consensus splice site. In summary, the available evidence is currently insufficient to determine the role of this variant in disease. Therefore, it has been classified as a Variant of Uncertain Significance.

Literature cited by the submitters: PubMed 17576681; PubMed 9536098.

NM_001458.5(FLNC):c.850+4T>C

Gene: FLNC (filamin C; plus strand). Cytogenetic location: 7q32.1.
Variant type: single nucleotide variant.
Coding change: c.850+4T>C on transcript NM_001458.5 (MANE Select); 4 bases into the intron after coding-DNA position 850, T replaced by C.
Molecular consequence: intron variant.
Genome position (GRCh38, 1-based): chr7:128,837,552, T>C. VCF-style: chr7-128837552-T-C. GRCh37 (hg19) VCF-style: chr7-128477606-T-C.
Other names: c.850+4T>C (NM_001127487.2).
Identifiers: ClinVar variation 1428644 (VCV001428644.6), dbSNP rs368602593, ClinGen allele CA4474132.
Genomic context (GRCh38, chr7:128,837,552, plus strand): 5'-GTGCCCCTGTTCGATCCAAGCAGCTGAACCCCAAGAAAGCCATCGCCTATGGGCCTGGTA[T>C]GTGTGAGCCCCTGGCGGCCCTCCTGGGCAGCTGGGCACATGTAGGCTCTCCCTGAGTAAC-3'